The following is an entry in ClinVar:

NM_013261.5(PPARGC1A):c.758-7dup

Gene: PPARGC1A (PPARG coactivator 1 alpha; minus strand). Cytogenetic location: 4p15.2.
Variant type: Duplication.
Coding change: c.758-7dup on transcript NM_013261.5 (MANE Select); 7 bases into the intron before coding-DNA position 758, one base duplicated (T; older notation c.758-7dupT).
Molecular consequence: intron variant.
Genome position (GRCh38, 1-based): chr4:23,824,515, A duplicated on the plus strand (T on the coding strand, the reverse complement: PPARGC1A is on the minus strand); the first of 10 consecutive A bases (chr4:23,824,515-23,824,524); duplicating any one gives the same sequence. VCF-style (leftmost placement, unchanged base first): chr4-23824514-G-GA. GRCh37 (hg19) VCF-style: chr4-23826137-G-GA.
Other names: c.773-7dup (NM_001354827.2, NM_001354825.2, NM_001330751.2); c.722-7dup (NM_001330752.2); c.377-7dup (NM_001354826.2, NM_001330753.2).
Identifiers: ClinVar variation 3060360 (VCV003060360.2), dbSNP rs541724886, ClinGen allele CA2875431.

ClinVar aggregate classification (germline): Benign (0 of 4 stars; one submission).

Conditions:
PPARGC1A-related disorder. Also called: PPARGC1A-related condition.

Submission:

PreventionGenetics, part of Exact Sciences
Classification: Benign for PPARGC1A-related condition. Last evaluated: 2019-02-19. Review status: no assertion criteria provided. Collection method: clinical testing. Allele origin: germline.
Comment: This variant is classified as benign based on ACMG/AMP sequence variant interpretation guidelines (Richards et al. 2015 PMID: 25741868, with internal and published modifications).